The following is an entry in ClinVar:

ClinVar aggregate classification (germline): Uncertain significance (0 of 4 stars; one submission).

Conditions:
ATP8B1-related disorder. Also called: ATP8B1-related condition; ATP8B1-related disorders.

Submission:

PreventionGenetics, part of Exact Sciences
Classification: Uncertain significance for ATP8B1-related condition. Last evaluated: 2024-08-03. Review status: no assertion criteria provided. Collection method: clinical testing. Allele origin: germline.
Comment: The ATP8B1 c.826_827delinsTT variant is predicted to result in an in-frame deletion and insertion. To our knowledge, this variant has not been reported in the literature or in a large population database, indicating this variant is rare. At this time, the clinical significance of this variant is uncertain due to the absence of conclusive functional and genetic evidence.

NM_001374385.1(ATP8B1):c.826_827delinsTT (p.Thr276Leu)

Gene: ATP8B1 (ATPase phospholipid transporting 8B1; minus strand). Cytogenetic location: 18q21.31.
Variant type: Indel.
Coding change: c.826_827delinsTT on transcript NM_001374385.1 (MANE Select); coding-DNA positions 826 to 827, AC replaced by TT.
Protein change: p.Thr276Leu; replaces threonine 276 with leucine.
Molecular consequence: missense variant.
Genome position (GRCh38, 1-based): chr18:57,695,284-57,695,285, GT replaced by AA on the plus strand (AC replaced by TT on the coding strand, the reverse complement: ATP8B1 is on the minus strand). VCF-style: chr18-57695284-GT-AA. GRCh37 (hg19) VCF-style: chr18-55362516-GT-AA.
Other names: c.676_677delinsTT, p.Thr226Leu (NM_001374386.1); c.826_827delinsTT, p.Thr276Leu (NM_005603.6); short protein forms T226L, T276L.
Identifiers: ClinVar variation 3345791 (VCV003345791.1).